The following is an entry in ClinVar:

ClinVar aggregate classification (germline): Uncertain significance (1 of 4 stars; one submission).

Submission:

Labcorp Genetics (formerly Invitae), Labcorp
Classification: Uncertain significance. Last evaluated: 2024-08-30. Review status: criteria provided, single submitter. Criteria: Invitae Variant Classification Sherloc (09022015). Collection method: clinical testing. Allele origin: germline.
Comment: This sequence change replaces threonine, which is neutral and polar, with serine, which is neutral and polar, at codon 931 of the SMARCA2 protein (p.Thr931Ser). This variant is not present in population databases (gnomAD no frequency). This variant has not been reported in the literature in individuals affected with SMARCA2-related conditions. ClinVar contains an entry for this variant (Variation ID: 1522461). Invitae Evidence Modeling of protein sequence and biophysical properties (such as structural, functional, and spatial information, amino acid conservation, physicochemical variation, residue mobility, and thermodynamic stability) has been performed for this missense variant. However, the output from this modeling did not meet the statistical confidence thresholds required to predict the impact of this variant on SMARCA2 protein function. In summary, the available evidence is currently insufficient to determine the role of this variant in disease. Therefore, it has been classified as a Variant of Uncertain Significance.

NM_003070.5(SMARCA2):c.2792C>G (p.Thr931Ser)

Gene: SMARCA2 (SWI/SNF related BAF chromatin remodeling complex subunit ATPase 2; plus strand). Cytogenetic location: 9p24.3.
Variant type: single nucleotide variant.
Coding change: c.2792C>G on transcript NM_003070.5 (MANE Select); coding-DNA position 2792, C replaced by G.
Protein change: p.Thr931Ser; replaces threonine 931 with serine.
Molecular consequence: missense variant.
Genome position (GRCh38, 1-based): chr9:2,088,522, C>G. VCF-style: chr9-2088522-C-G. GRCh37 (hg19) VCF-style: chr9-2088522-C-G.
Other names: c.2792C>G, p.Thr931Ser (NM_001289396.2, NM_139045.4); c.2618C>G, p.Thr873Ser (NM_001289397.2); short protein forms T873S, T931S.
Identifiers: ClinVar variation 1522461 (VCV001522461.6), dbSNP rs2130492796, ClinGen allele CA372785414.
Genomic context (GRCh38, chr9:2,088,522, plus strand): 5'-CTTTAAAAAATCAAATTCATAATAAGCCTCTCTTACAGGTGGACTTAAATGAAGAAGAAA[C>G]TATATTGATCATCAGGCGTCTACATAAGGTGTTAAGACCATTTTTACTAAGGAGACTGAA-3'
Protein context (NP_003061.3, residues 921-941): GERVDLNEEE[Thr931Ser]ILIIRRLHKV